The following is an entry in ClinVar:

NM_000165.5(GJA1):c.689del (p.Tyr230fs)

Gene: GJA1 (gap junction protein alpha 1; plus strand). Cytogenetic location: 6q22.31.
Variant type: Deletion.
Coding change: c.689del on transcript NM_000165.5 (MANE Select); coding-DNA position 689, one base deleted (A; older notation c.689delA).
Protein change: p.Tyr230fs; shifts the reading frame from tyrosine 230.
Molecular consequence: frameshift variant.
Genome position (GRCh38, 1-based): chr6:121,447,536, A deleted. VCF-style (leftmost placement, unchanged base first): chr6-121447535-TA-T. GRCh37 (hg19) VCF-style: chr6-121768681-TA-T.
Other names: short protein forms Y230fs.
Identifiers: ClinVar variation 1347153 (VCV001347153.6), dbSNP rs2114283978, ClinGen allele CA2573140513.

ClinVar aggregate classification (germline): Uncertain significance (1 of 4 stars; one submission).

Conditions:
Oculodentodigital dysplasia, autosomal recessive. Also called: OCULODENTOOSSEOUS DYSPLASIA, AUTOSOMAL RECESSIVE; ODDD, AUTOSOMAL RECESSIVE; ODOD, AUTOSOMAL RECESSIVE. Identifiers: Orphanet 2710, MedGen C2749477, MONDO:0009768, OMIM 257850.

Submission:

Labcorp Genetics (formerly Invitae), Labcorp
Classification: Uncertain significance for Oculodentodigital dysplasia, autosomal recessive. Last evaluated: 2023-05-22. Review status: criteria provided, single submitter. Criteria: Invitae Variant Classification Sherloc (09022015). Collection method: clinical testing. Allele origin: germline.
Comment: This sequence change creates a premature translational stop signal (p.Tyr230Leufs*25) in the GJA1 gene. While this is not anticipated to result in nonsense mediated decay, it is expected to disrupt the last 153 amino acid(s) of the GJA1 protein. This variant is not present in population databases (gnomAD no frequency). This variant has not been reported in the literature in individuals affected with GJA1-related conditions. ClinVar contains an entry for this variant (Variation ID: 1347153). Experimental studies and prediction algorithms are not available or were not evaluated, and the functional significance of this variant is currently unknown. In summary, the available evidence is currently insufficient to determine the role of this variant in disease. Therefore, it has been classified as a Variant of Uncertain Significance.